The following is an entry in ClinVar:

ClinVar aggregate classification (germline): Uncertain significance (1 of 4 stars; one submission).

Allele frequency attached by ClinVar (database versions not stated): gnomAD exomes below 0.00001.
gnomAD v4.1: 1 of 1,613,122 alleles (0.000062%); highest among the groups gnomAD compares: Middle Eastern, 0.017%; no homozygotes.

Submission:

Labcorp Genetics (formerly Invitae), Labcorp
Classification: Uncertain significance. Last evaluated: 2020-01-28. Review status: criteria provided, single submitter. Criteria: Invitae Variant Classification Sherloc (09022015). Collection method: clinical testing. Allele origin: germline.
Comment: In summary, the available evidence is currently insufficient to determine the role of this variant in disease. Therefore, it has been classified as a Variant of Uncertain Significance. Algorithms developed to predict the effect of missense changes on protein structure and function are either unavailable or do not agree on the potential impact of this missense change (SIFT: "Deleterious"; PolyPhen-2: "Possibly Damaging"; Align-GVGD: "Class C0"). This variant has not been reported in the literature in individuals with SAG-related conditions. This variant is not present in population databases (ExAC no frequency). This sequence change replaces lysine with glutamic acid at codon 170 of the SAG protein (p.Lys170Glu). The lysine residue is highly conserved and there is a small physicochemical difference between lysine and glutamic acid.

NM_000541.5(SAG):c.508A>G (p.Lys170Glu)

Gene: SAG (S-antigen visual arrestin; plus strand). Cytogenetic location: 2q37.1.
Variant type: single nucleotide variant.
Coding change: c.508A>G on transcript NM_000541.5 (MANE Select); coding-DNA position 508, A replaced by G.
Protein change: p.Lys170Glu; replaces lysine 170 with glutamic acid.
Molecular consequence: missense variant.
Genome position (GRCh38, 1-based): chr2:233,327,193, A>G. VCF-style: chr2-233327193-A-G. GRCh37 (hg19) VCF-style: chr2-234235839-A-G.
Other names: short protein forms K170E.
Identifiers: ClinVar variation 943753 (VCV000943753.9), dbSNP rs1700587803, ClinGen allele CA351047274.